The following is an entry in ClinVar:

NM_000051.4(ATM):c.7057C>T (p.Pro2353Ser)

Genes: ATM (ATM serine/threonine kinase; plus strand), C11orf65 (chromosome 11 open reading frame 65; minus strand). Cytogenetic location: 11q22.3.
Variant type: single nucleotide variant.
Coding change: c.7057C>T on transcript NM_000051.4 (MANE Select); coding-DNA position 7057, C replaced by T.
Protein change: p.Pro2353Ser; replaces proline 2353 with serine.
Molecular consequence: missense variant. On other transcripts: intron variant (2).
Genome position (GRCh38, 1-based): chr11:108,327,726, C>T. VCF-style: chr11-108327726-C-T. GRCh37 (hg19) VCF-style: chr11-108198453-C-T.
Other names: c.7057C>T, p.Pro2353Ser (NM_001351834.2); c.641-18655G>A (NM_001330368.2); c.*38+7494G>A (NM_001351110.2); short protein forms P2353S.
Identifiers: ClinVar variation 3598945 (VCV003598945.3).

ClinVar aggregate classification (germline): Uncertain significance. Review status: criteria provided, multiple submitters, no conflicts (2 of 4 stars). 2 submissions from 2 submitters: Uncertain significance (2). Last evaluated 2025-10-13.

Conditions:
Ataxia-telangiectasia syndrome (AT). Also called: LOUIS-BAR SYNDROME; Cerebello-oculocutaneous telangiectasia; Immunodeficiency with ataxia telangiectasia; ATAXIA-TELANGIECTASIA, COMPLEMENTATION GROUP A; ATAXIA-TELANGIECTASIA, FRESNO VARIANT; Ataxia-telangiectasia. Identifiers: Orphanet 100, MedGen C0004135, MONDO:0008840, OMIM 208900.
Familial cancer of breast. Also called: BREAST CANCER, FAMILIAL; Hereditary breast cancer; hereditary breast carcinoma. Identifiers: Orphanet 227535, MedGen C0346153, MONDO:0016419, OMIM 114480. Disease mechanism: loss of function.

Submissions (2):

Labcorp Genetics (formerly Invitae), Labcorp
Classification: Uncertain significance for Ataxia-telangiectasia syndrome. Last evaluated: 2025-10-13. Review status: criteria provided, single submitter. Criteria: Invitae Variant Classification Sherloc (09022015). Collection method: clinical testing. Allele origin: germline.
Comment: This sequence change replaces proline, which is neutral and non-polar, with serine, which is neutral and polar, at codon 2353 of the ATM protein (p.Pro2353Ser). This variant is not present in population databases (gnomAD no frequency). This variant has not been reported in the literature in individuals affected with ATM-related conditions. ClinVar contains an entry for this variant (Variation ID: 3598945). Invitae Evidence Modeling of protein sequence and biophysical properties (such as structural, functional, and spatial information, amino acid conservation, physicochemical variation, residue mobility, and thermodynamic stability) has been performed for this missense variant. However, the output from this modeling did not meet the statistical confidence thresholds required to predict the impact of this variant on ATM protein function. In summary, the available evidence is currently insufficient to determine the role of this variant in disease. Therefore, it has been classified as a Variant of Uncertain Significance.

Fulgent Genetics
Classification: Uncertain significance for Familial cancer of breast; Ataxia-telangiectasia syndrome. Last evaluated: 2024-03-14. Review status: criteria provided, single submitter. Criteria: ACMG Guidelines, 2015. Collection method: clinical testing. Allele origin: germline.